The following is an entry in ClinVar:

NM_020778.5(ALPK3):c.406A>G (p.Thr136Ala)

Gene: ALPK3 (alpha kinase 3; plus strand). Cytogenetic location: 15q25.3.
Variant type: single nucleotide variant.
Coding change: c.406A>G on transcript NM_020778.5 (MANE Select); coding-DNA position 406, A replaced by G.
Protein change: p.Thr136Ala; replaces threonine 136 with alanine.
Molecular consequence: missense variant.
Genome position (GRCh38, 1-based): chr15:84,839,081, A>G. VCF-style: chr15-84839081-A-G. GRCh37 (hg19) VCF-style: chr15-85382312-A-G.
Other names: short protein forms T136A.
Identifiers: ClinVar variation 2790059 (VCV002790059.3), dbSNP rs778291342, ClinGen allele CA7708957.

ClinVar aggregate classification (germline): Uncertain significance (1 of 4 stars; one submission).

Allele frequency attached by ClinVar (database versions not stated): gnomAD exomes below 0.00001; ExAC 0.00001.
gnomAD v4.1: 1 of 1,609,306 alleles (0.000062%); highest among the groups gnomAD compares: Non-Finnish European, 0.000085%; no homozygotes.

Submission:

Labcorp Genetics (formerly Invitae), Labcorp
Classification: Uncertain significance. Last evaluated: 2023-08-08. Review status: criteria provided, single submitter. Criteria: Invitae Variant Classification Sherloc (09022015). Collection method: clinical testing. Allele origin: germline.
Comment: In summary, the available evidence is currently insufficient to determine the role of this variant in disease. Therefore, it has been classified as a Variant of Uncertain Significance. This sequence change replaces threonine, which is neutral and polar, with alanine, which is neutral and non-polar, at codon 338 of the ALPK3 protein (p.Thr338Ala). This variant is not present in population databases (gnomAD no frequency). This variant has not been reported in the literature in individuals affected with ALPK3-related conditions. An algorithm developed to predict the effect of missense changes on protein structure and function (PolyPhen-2) suggests that this variant is likely to be disruptive.